The following is an entry in ClinVar:

NM_001386795.1(DTNA):c.2108G>A (p.Arg703Gln)

Gene: DTNA (dystrobrevin alpha; plus strand). Cytogenetic location: 18q12.1.
Variant type: single nucleotide variant.
Coding change: c.2108G>A on transcript NM_001386795.1 (MANE Select); coding-DNA position 2108, G replaced by A.
Protein change: p.Arg703Gln; replaces arginine 703 with glutamine.
Molecular consequence: missense variant.
Genome position (GRCh38, 1-based): chr18:34,879,665, G>A. VCF-style: chr18-34879665-G-A. GRCh37 (hg19) VCF-style: chr18-32459629-G-A.
Other names: c.1847G>A, p.Arg616Gln (NM_001198938.2, NM_001198940.2, NM_001386753.1 and 5 more transcripts); c.1868G>A, p.Arg623Gln (NM_001198939.2); c.1154G>A, p.Arg385Gln (NM_001198942.1); c.1097G>A, p.Arg366Gln (NM_001198943.1); c.983G>A, p.Arg328Gln (NM_001198944.1); c.1937G>A, p.Arg646Gln (NM_001386754.1, NM_001386755.1, NM_001386756.1 and 3 more transcripts); c.1934G>A, p.Arg645Gln (NM_001386760.1); c.1856G>A, p.Arg619Gln (NM_001386761.1, NM_032975.4); and 6 more; short protein forms R619Q, R676Q, R366Q, R616Q, R623Q, R328Q, R324Q, R385Q.
Identifiers: ClinVar variation 46422 (VCV000046422.13), dbSNP rs142009291, ClinGen allele CA138315.
Genomic context (GRCh38, chr18:34,879,665, plus strand): 5'-TTGAGGATCTTGTTCCCTCACCAACCTCTGAAAAGGCTTTTCTAGCGCAAATCCATGCCC[G>A]AAAACCTGGGTACATTCACAGTGGAGCTACCACAAGTACCATGCGTGGCGACATGTGAGT-3'
Protein context (NP_001373724.1, residues 693-713): EKAFLAQIHA[Arg703Gln]KPGYIHSGAT

ClinVar aggregate classification (germline): Conflicting classifications of pathogenicity. Review status: criteria provided, conflicting classifications (1 of 4 stars). 4 submissions from 4 submitters: Uncertain significance (2); Likely benign (2). Last evaluated 2026-01-28.

Conditions:
DTNA-related disorder. Also called: DTNA-related condition.
Left ventricular noncompaction 1 (LVNC1). Also called: LEFT VENTRICULAR NONCOMPACTION 1 WITH OR WITHOUT CONGENITAL HEART DEFECTS. Identifiers: Orphanet 54260, MedGen C1858725, MONDO:0011403, OMIM 604169.

Allele frequency attached by ClinVar (database versions not stated): gnomAD exomes 0.00005; ExAC 0.00007; ESP Exome Variant Server 0.00023; TOPMed 0.00025; gnomAD 0.00028; 1000 Genomes Project 30x 0.00047; 1000 Genomes Project 0.00060.
gnomAD v4.1: 109 of 1,614,040 alleles (0.0068%); highest among the groups gnomAD compares: African/African-American, 0.095%; no homozygotes.

Submissions (4):

Labcorp Genetics (formerly Invitae), Labcorp
Classification: Uncertain significance for Left ventricular noncompaction 1. Last evaluated: 2026-01-28. Review status: criteria provided, single submitter. Criteria: Invitae Variant Classification Sherloc (09022015). Collection method: clinical testing. Allele origin: germline.
Comment: This sequence change replaces arginine, which is basic and polar, with glutamine, which is neutral and polar, at codon 676 of the DTNA protein (p.Arg676Gln). This variant is present in population databases (rs142009291, gnomAD 0.07%), and has an allele count higher than expected for a pathogenic variant. This variant has not been reported in the literature in individuals affected with DTNA-related conditions. ClinVar contains an entry for this variant (Variation ID: 46422). An algorithm developed to predict the effect of missense changes on protein structure and function (PolyPhen-2) suggests that this variant is likely to be tolerated. In summary, the available evidence is currently insufficient to determine the role of this variant in disease. Therefore, it has been classified as a Variant of Uncertain Significance.

PreventionGenetics, part of Exact Sciences
Classification: Likely benign for DTNA-related condition. Last evaluated: 2025-05-09. Review status: criteria provided, single submitter. Criteria: ACMG Guidelines, 2015. Collection method: clinical testing. Allele origin: germline.
Comment: This variant is classified as likely benign based on ACMG/AMP sequence variant interpretation guidelines (Richards et al. 2015 PMID: 25741868, with internal and published modifications).

Biesecker Lab/Clinical Genomics Section, National Institutes of Health
Classification: Uncertain significance. Last evaluated: 2013-06-24. Review status: criteria provided, single submitter. Criteria: Ng et al. (Circ Cardiovasc Genet. 2013). Collection method: research. Allele origin: unknown. Observed: 1 variant allele. Study: ClinSeq.
Comment: The study set was not selected for affection status in relation to any cancer. Pathogenicity categories were based on literature curation. See Pubmed ID:23861362 for details.

Medical sequencing

Laboratory for Molecular Medicine, Mass General Brigham Personalized Medicine
Classification: Likely benign. Last evaluated: 2012-08-01. Review status: criteria provided, single submitter. Criteria: LMM Criteria. Collection method: clinical testing. Allele origin: germline. Observed: 1 variant allele.
Comment: Arg619Gln in exon 19 of DTNA: This variant is not expected to have clinical sign ificance because it has been identified in 3/194 chromosomes from the LWK popula tion (Kenyan) by the 1000 Genomes project (dbSNP rs142009291).